The following is an entry in ClinVar:

ClinVar aggregate classification (germline): Uncertain significance (1 of 4 stars; one submission).

Conditions:
Developmental and epileptic encephalopathy, 9 (DEE9). Also called: JUBERG-HELLMAN SYNDROME; EPILEPSY, FEMALE-RESTRICTED, WITH MENTAL RETARDATION; Early infantile epileptic encephalopathy 9; PCDH19-Related X-Linked Female-Limited Epilepsy with Mental Retardation. Identifiers: Orphanet 101039, Orphanet 2076, MedGen C1848137, MONDO:0010246, OMIM 300088. Disease mechanism: loss of function.

Submission:

Labcorp Genetics (formerly Invitae), Labcorp
Classification: Uncertain significance for Developmental and epileptic encephalopathy, 9. Last evaluated: 2025-02-24. Review status: criteria provided, single submitter. Criteria: Invitae Variant Classification Sherloc (09022015). Collection method: clinical testing. Allele origin: germline.
Comment: This sequence change replaces histidine, which is basic and polar, with aspartic acid, which is acidic and polar, at codon 1070 of the PCDH19 protein (p.His1070Asp). This variant is not present in population databases (gnomAD no frequency). This variant has not been reported in the literature in individuals affected with PCDH19-related conditions. ClinVar contains an entry for this variant (Variation ID: 1523809). Invitae Evidence Modeling of protein sequence and biophysical properties (such as structural, functional, and spatial information, amino acid conservation, physicochemical variation, residue mobility, and thermodynamic stability) indicates that this missense variant is not expected to disrupt PCDH19 protein function with a negative predictive value of 95%. In summary, the available evidence is currently insufficient to determine the role of this variant in disease. Therefore, it has been classified as a Variant of Uncertain Significance.

NM_001184880.2(PCDH19):c.3208C>G (p.His1070Asp)

Gene: PCDH19 (protocadherin 19; minus strand). Cytogenetic location: Xq22.1.
Variant type: single nucleotide variant.
Coding change: c.3208C>G on transcript NM_001184880.2 (MANE Select); coding-DNA position 3208, C replaced by G.
Protein change: p.His1070Asp; replaces histidine 1070 with aspartic acid.
Molecular consequence: missense variant.
Genome position (GRCh38, 1-based): chrX:100,296,516, G>C on the plus strand (C>G on the coding strand, the complement: PCDH19 is on the minus strand). VCF-style: chrX-100296516-G-C. GRCh37 (hg19) VCF-style: chrX-99551514-G-C.
Other names: c.3067C>G, p.His1023Asp (NM_001105243.2); c.3064C>G, p.His1022Asp (NM_020766.3); short protein forms H1022D, H1023D, H1070D.
Identifiers: ClinVar variation 1523809 (VCV001523809.8), dbSNP rs2147445892, ClinGen allele CA413999984.